The following is an entry in ClinVar:

ClinVar aggregate classification (germline): Uncertain significance (1 of 4 stars; one submission).

Submission:

GeneDx
Classification: Uncertain significance. Last evaluated: 2024-07-31. Review status: criteria provided, single submitter. Criteria: GeneDx Variant Classification Process June 2021. Collection method: clinical testing. Allele origin: germline. Affected: yes.
Comment: Not observed at significant frequency in large population cohorts (gnomAD); Has not been previously published as pathogenic or benign to our knowledge; Frameshift variant predicted to result in abnormal protein length as the last 746 amino acids are replaced with 22 different amino acids, in a gene for which loss of function is not an established mechanism of disease; This variant is associated with the following publications: (PMID: 28545555)

NM_017654.4(SAMD9):c.2530dup (p.Ser844fs)

Gene: SAMD9 (sterile alpha motif domain containing 9; minus strand). Cytogenetic location: 7q21.2.
Variant type: Duplication.
Coding change: c.2530dup on transcript NM_017654.4 (MANE Select); coding-DNA position 2530, one base duplicated (A; older notation c.2530dupA).
Protein change: p.Ser844fs; shifts the reading frame from serine 844.
Molecular consequence: frameshift variant.
Genome position (GRCh38, 1-based): chr7:93,103,568, T duplicated on the plus strand (A on the coding strand, the reverse complement: SAMD9 is on the minus strand); the first of 6 consecutive T bases (chr7:93,103,568-93,103,573); duplicating any one gives the same sequence. VCF-style (leftmost placement, unchanged base first): chr7-93103567-C-CT. GRCh37 (hg19) VCF-style: chr7-92732880-C-CT.
Other names: c.2530dup, p.Ser844fs (NM_001193307.2); short protein forms S844fs.
Identifiers: ClinVar variation 3602245 (VCV003602245.1).
Genomic context (GRCh38, chr7:93,103,567, plus strand): 5'-GCTCTCTGTTCTTTGGGAGAGAGTTGCTGTATTACGGCAATACTGTCTGGGATCCTTGCA[C>CT]TTTTTTCAGGATTTTGTGATCTCATACAATTTAGGATAATCACCAGAGGTTTTTCATATC-3'